The following is an entry in ClinVar:

NM_001927.4(DES):c.320A>C (p.Asn107Thr)

Gene: DES (desmin; plus strand). Cytogenetic location: 2q35.
Variant type: single nucleotide variant.
Coding change: c.320A>C on transcript NM_001927.4 (MANE Select); coding-DNA position 320, A replaced by C.
Protein change: p.Asn107Thr; replaces asparagine 107 with threonine.
Molecular consequence: missense variant.
Genome position (GRCh38, 1-based): chr2:219,418,782, A>C. VCF-style: chr2-219418782-A-C. GRCh37 (hg19) VCF-style: chr2-220283504-A-C.
Other names: c.320A>C, p.Asn107Thr (NM_001382708.1, NM_001382709.1, NM_001382710.1 and 3 more transcripts); short protein forms N107T.
Identifiers: ClinVar variation 951130 (VCV000951130.11), dbSNP rs1156440628, ClinGen allele CA350685197.
Genomic context (GRCh38, chr2:219,418,782, plus strand): 5'-AGCTGCTGGACTTCTCACTGGCCGACGCGGTGAACCAGGAGTTTCTGACCACGCGCACCA[A>C]CGAGAAGGTGGAGCTGCAGGAGCTCAATGACCGCTTCGCCAACTACATCGAGAAGGTGCG-3'
Protein context (NP_001918.3, residues 97-117): VNQEFLTTRT[Asn107Thr]EKVELQELND

ClinVar aggregate classification (germline): Uncertain significance. Review status: criteria provided, multiple submitters, no conflicts (2 of 4 stars). 2 submissions from 2 submitters: Uncertain significance (2). Last evaluated 2025-02-21.

Conditions:
Cardiovascular phenotype. Identifiers: MedGen CN230736.
Desmin-related myofibrillar myopathy (MFM1). Also called: MYOFIBRILLAR MYOPATHY WITH ARRHYTHMOGENIC RIGHT VENTRICULAR CARDIOMYOPATHY; DESMIN-RELATED MYOPATHY WITH ARRHYTHMOGENIC RIGHT VENTRICULAR CARDIOMYOPATHY; Desminopathy; Myofibrillar myopathy 1; Desmin related myopathy (former name); Desmin storage myopathy (former name). Identifiers: Orphanet 363543, Orphanet 98909, MedGen C1832370, MONDO:0011076, OMIM 601419.

Allele frequency attached by ClinVar (database versions not stated): TOPMed below 0.00001.

Submissions (2):

Ambry Genetics
Classification: Uncertain significance for Cardiovascular phenotype. Last evaluated: 2025-02-21. Review status: criteria provided, single submitter. Criteria: Ambry Variant Classification Scheme 2023. Collection method: clinical testing. Allele origin: germline.
Comment: The p.N107T variant (also known as c.320A>C), located in coding exon 1 of the DES gene, results from an A to C substitution at nucleotide position 320. The asparagine at codon 107 is replaced by threonine, an amino acid with similar properties. This amino acid position is highly conserved in available vertebrate species. In addition, the in silico prediction for this alteration is inconclusive. Based on the available evidence, the clinical significance of this variant remains unclear.

Labcorp Genetics (formerly Invitae), Labcorp
Classification: Uncertain significance for Desmin-related myofibrillar myopathy. Last evaluated: 2019-07-05. Review status: criteria provided, single submitter. Criteria: Invitae Variant Classification Sherloc (09022015). Collection method: clinical testing. Allele origin: germline.
Comment: In summary, the available evidence is currently insufficient to determine the role of this variant in disease. Therefore, it has been classified as a Variant of Uncertain Significance. Algorithms developed to predict the effect of missense changes on protein structure and function are either unavailable or do not agree on the potential impact of this missense change (SIFT: "Tolerated"; PolyPhen-2: "Probably Damaging"; Align-GVGD: "Class C0"). This variant has not been reported in the literature in individuals with DES-related conditions. This variant is not present in population databases (ExAC no frequency). This sequence change replaces asparagine with threonine at codon 107 of the DES protein (p.Asn107Thr). The asparagine residue is highly conserved and there is a small physicochemical difference between asparagine and threonine.